The following is an entry in ClinVar:

NM_014639.4(SKIC3):c.955A>T (p.Met319Leu)

Gene: SKIC3 (SKI3 subunit of superkiller complex; minus strand). Cytogenetic location: 5q15.
Variant type: single nucleotide variant.
Coding change: c.955A>T on transcript NM_014639.4 (MANE Select); coding-DNA position 955, A replaced by T.
Protein change: p.Met319Leu; replaces methionine 319 with leucine.
Molecular consequence: missense variant.
Genome position (GRCh38, 1-based): chr5:95,529,040, T>A on the plus strand (A>T on the coding strand, the complement: SKIC3 is on the minus strand). VCF-style: chr5-95529040-T-A. GRCh37 (hg19) VCF-style: chr5-94864744-T-A.
Other names: short protein forms M319L.
Identifiers: ClinVar variation 1360591 (VCV001360591.8), dbSNP rs2112346611, ClinGen allele CA360466322.

ClinVar aggregate classification (germline): Uncertain significance (1 of 4 stars; one submission).

Allele frequency attached by ClinVar (database versions not stated): gnomAD exomes below 0.00001.
gnomAD v4.1: 1 of 1,613,788 alleles (0.000062%); highest among the groups gnomAD compares: Non-Finnish European, 0.000085%; no homozygotes.

Submission:

Labcorp Genetics (formerly Invitae), Labcorp
Classification: Uncertain significance. Last evaluated: 2024-10-15. Review status: criteria provided, single submitter. Criteria: Invitae Variant Classification Sherloc (09022015). Collection method: clinical testing. Allele origin: germline.
Comment: This sequence change replaces methionine, which is neutral and non-polar, with leucine, which is neutral and non-polar, at codon 319 of the TTC37 protein (p.Met319Leu). This variant is not present in population databases (gnomAD no frequency). This variant has not been reported in the literature in individuals affected with TTC37-related conditions. ClinVar contains an entry for this variant (Variation ID: 1360591). An algorithm developed to predict the effect of missense changes on protein structure and function (PolyPhen-2) suggests that this variant is likely to be tolerated. In summary, the available evidence is currently insufficient to determine the role of this variant in disease. Therefore, it has been classified as a Variant of Uncertain Significance.